The following is an entry in ClinVar:

ClinVar aggregate classification (germline): Benign/Likely benign. Review status: criteria provided, multiple submitters, no conflicts (2 of 4 stars). 17 submissions from 14 submitters: Benign (6); Likely benign (8). 3 of the submissions do not count toward it. Last evaluated 2026-01-27.

Conditions:
TTN-related disorder. Also called: TTN-related condition; TTN-related disease; TTN-related disorders.
Cardiovascular phenotype. Identifiers: MedGen CN230736.
Autosomal recessive limb-girdle muscular dystrophy type 2J (LGMDR10). Also called: Limb-girdle muscular dystrophy, type 2J; MUSCULAR DYSTROPHY, LIMB-GIRDLE, AUTOSOMAL RECESSIVE 10. Identifiers: Orphanet 140922, MedGen C1837342, MONDO:0012127, OMIM 608807.
Dilated cardiomyopathy 1G (CMD1G). Identifiers: Orphanet 154, MedGen C1858763, MONDO:0011400, OMIM 604145.
Early-onset myopathy with fatal cardiomyopathy (CMYO5). Also called: Salih Myopathy; CONGENITAL MYOPATHY 5 WITH CARDIOMYOPATHY. Identifiers: Orphanet 289377, MedGen C2673677, MONDO:0012714, OMIM 611705. Disease mechanism: loss of function.
Myopathy, myofibrillar, 9, with early respiratory failure (MFM9). Also called: Hereditary myopathy with early respiratory failure; EDSTROM MYOPATHY; MYOPATHY, PROXIMAL, WITH EARLY RESPIRATORY MUSCLE INVOLVEMENT; Myopathy, distal, with early respiratory failure, autosomal dominant. Identifiers: Orphanet 178464, Orphanet 34521, MedGen C1863599, MONDO:0011362, OMIM 603689.
Tibial muscular dystrophy (TMD). Also called: UDD MYOPATHY; Udd Distal Myopathy – Tibial Muscular Dystrophy; Tibial muscular dystrophy, tardive. Identifiers: Orphanet 609, MedGen C1838244, MONDO:0010870, OMIM 600334.

Allele frequency attached by ClinVar (database versions not stated): gnomAD exomes 0.00007 and 0.00032; ExAC 0.00039; gnomAD 0.00103 and 0.00107; TOPMed 0.00121; 1000 Genomes Project 0.00140; ESP Exome Variant Server 0.00148; 1000 Genomes Project 30x 0.00172.
gnomAD v4.1: 273 of 1,613,778 alleles (0.017%); highest among the groups gnomAD compares: African/African-American, 0.32%; 1 homozygote.

Submissions (17):

Labcorp Genetics (formerly Invitae), Labcorp
Classification: Likely benign for Dilated cardiomyopathy 1G; Autosomal recessive limb-girdle muscular dystrophy type 2J. Last evaluated: 2026-01-27. Review status: criteria provided, single submitter. Criteria: Invitae Variant Classification Sherloc (09022015). Collection method: clinical testing. Allele origin: germline.

Molecular Diagnostic Laboratory for Inherited Cardiovascular Disease, Montreal Heart Institute
Classification: Benign. Last evaluated: 2025-04-09. Review status: criteria provided, single submitter. Criteria: ACMG Guidelines, 2015. Collection method: clinical testing. Allele origin: germline. Affected: no.
Comment: BS1;BP6;BP7

Women's Health and Genetics/Laboratory Corporation of America, LabCorp
Classification: Likely benign. Last evaluated: 2025-01-30. Review status: criteria provided, single submitter. Criteria: LabCorp Variant Classification Summary - May 2015. Collection method: clinical testing. Allele origin: germline.
Comment: Variant summary: TTN c.10361-2140A>C in intron 45, also reported as NM_001267550:c.12733A>C (p.Asn4245His) in exon 48, is located at a position not widely known to affect splicing. Consensus agreement among computation tools predict no significant impact on normal splicing. However, these predictions have yet to be confirmed by functional studies. The variant allele was found at a frequency of 0.00032 in 248494 control chromosomes, predominantly at a frequency of 0.0047 within the African or African-American subpopulation in the gnomAD database. The observed variant frequency within African or African-American control individuals in the gnomAD database is approximately 12-fold of the estimated maximal expected allele frequency for a pathogenic variant in TTN causing Dilated Cardiomyopathy phenotype (0.00039). To our knowledge, no occurrence of c.10361-2140A>C in individuals affected with TTN-related conditions and no experimental evidence demonstrating its impact on protein function have been reported. ClinVar contains an entry for this variant (Variation ID: 47829). Based on the evidence outlined above, the variant was classified as likely benign.

Blueprint Genetics
Classification: Likely benign. Last evaluated: 2024-11-11. Review status: criteria provided, single submitter. Criteria: ACMG Guidelines, 2015. Collection method: clinical testing. Allele origin: germline.

Genome-Nilou Lab
Classification: Benign for Autosomal recessive limb-girdle muscular dystrophy type 2J. Last evaluated: 2021-09-10. Review status: criteria provided, single submitter. Criteria: ACMG Guidelines, 2015. Collection method: clinical testing. Allele origin: germline. Affected: no.

Genome-Nilou Lab
Classification: Benign for Myopathy, myofibrillar, 9, with early respiratory failure. Last evaluated: 2021-09-10. Review status: criteria provided, single submitter. Criteria: ACMG Guidelines, 2015. Collection method: clinical testing. Allele origin: germline. Affected: no.

Genome-Nilou Lab
Classification: Benign for Early-onset myopathy with fatal cardiomyopathy. Last evaluated: 2021-09-10. Review status: criteria provided, single submitter. Criteria: ACMG Guidelines, 2015. Collection method: clinical testing. Allele origin: germline. Affected: no.

Genome-Nilou Lab
Classification: Benign for Tibial muscular dystrophy. Last evaluated: 2021-09-10. Review status: criteria provided, single submitter. Criteria: ACMG Guidelines, 2015. Collection method: clinical testing. Allele origin: germline. Affected: no.

ARUP Laboratories, Molecular Genetics and Genomics, ARUP Laboratories
Classification: Likely benign. Last evaluated: 2021-07-10. Review status: criteria provided, single submitter. Criteria: ARUP Molecular Germline Variant Investigation Process 2021. Collection method: clinical testing. Allele origin: germline.

GeneDx
Classification: Likely benign. Last evaluated: 2020-03-16. Review status: criteria provided, single submitter. Criteria: GeneDx Variant Classification Process June 2021. Collection method: clinical testing. Allele origin: germline. Affected: yes.

Ambry Genetics
Classification: Likely benign for Cardiovascular phenotype. Last evaluated: 2018-08-14. Review status: criteria provided, single submitter. Criteria: Ambry Variant Classification Scheme 2023. Collection method: clinical testing. Allele origin: germline.

Athena Diagnostics
Classification: Benign. Last evaluated: 2016-10-28. Review status: criteria provided, single submitter. Criteria: Athena Diagnostics Criteria. Collection method: clinical testing. Allele origin: germline.

Eurofins Ntd Llc (ga)
Classification: Likely benign. Last evaluated: 2015-08-21. Review status: criteria provided, single submitter. Criteria: EGL Classification Definitions 2015. Collection method: clinical testing. Allele origin: germline. Observed: 1 variant allele, 1 heterozygote.

Laboratory for Molecular Medicine, Mass General Brigham Personalized Medicine
Classification: Likely benign. Last evaluated: 2012-01-24. Review status: criteria provided, single submitter. Criteria: LMM Criteria. Collection method: clinical testing. Allele origin: germline. Observed: 3 variant alleles.
Comment: Asn4007His in exon 45B of TTN: This variant is not expected to have clinical sig nificance because it has been identified in 0.4% (12/3202) of African American c hromosomes by the NHLBI Exome Sequencing Project in a broad population. Asn4007His in exon 45B of TTN (allele frequency = 0. 4%, 12/3202) **

PreventionGenetics, part of Exact Sciences
Classification: Likely benign for TTN-related condition. Last evaluated: 2021-01-27. Review status: no assertion criteria provided. Collection method: clinical testing. Allele origin: germline. Not counted in ClinVar's aggregate classification.
Comment: This variant is classified as likely benign based on ACMG/AMP sequence variant interpretation guidelines (Richards et al. 2015 PMID: 25741868, with internal and published modifications).

Clinical Genetics, Academic Medical Center
Classification: Benign. Review status: no assertion criteria provided. Collection method: clinical testing. Allele origin: germline. Affected: yes. Study: VKGL Data-share Consensus. Not counted in ClinVar's aggregate classification.

Laboratory of Diagnostic Genome Analysis, Leiden University Medical Center (LUMC)
Classification: Likely benign. Review status: no assertion criteria provided. Collection method: clinical testing. Allele origin: germline. Affected: yes. Study: VKGL Data-share Consensus. Not counted in ClinVar's aggregate classification.

NM_001267550.2(TTN):c.12733A>C (p.Asn4245His)

Gene: TTN (titin; minus strand). Cytogenetic location: 2q31.2.
Variant type: single nucleotide variant.
Coding change: c.12733A>C on transcript NM_001267550.2 (MANE Select); coding-DNA position 12733, A replaced by C.
Protein change: p.Asn4245His; replaces asparagine 4245 with histidine.
Molecular consequence: missense variant. On other transcripts: intron variant (1).
Genome position (GRCh38, 1-based): chr2:178,740,500, T>G on the plus strand (A>C on the coding strand, the complement: TTN is on the minus strand). VCF-style: chr2-178740500-T-G. GRCh37 (hg19) VCF-style: chr2-179605227-T-G.
Other names: p.N3928H:AAC>CAC; c.11782A>C, p.Asn3928His (NM_001256850.1); c.11644A>C, p.Asn3882His (NM_003319.4); c.12019A>C, p.Asn4007His (NM_133432.3); c.12220A>C, p.Asn4074His (NM_133437.4); c.10361-2140A>C (NM_133378.4); short protein forms N4245H, N4007H, N3928H, N3882H, N4074H.
Identifiers: ClinVar variation 47829 (VCV000047829.41), dbSNP rs199652066, ClinGen allele CA141998.